The following is an entry in ClinVar:

ClinVar aggregate classification (germline): Likely pathogenic (1 of 4 stars; one submission).

Submission:

CeGaT Center for Human Genetics Tuebingen
Classification: Likely pathogenic. Last evaluated: 2024-07-01. Review status: criteria provided, single submitter. Criteria: CeGaT Center For Human Genetics Tuebingen Variant Classification Criteria Version 2. Collection method: clinical testing. Allele origin: germline. Affected: yes. Observed: 1 variant allele.
Comment: COL4A1: PM2, PS2:Moderate, PVS1:Moderate

NM_001845.6(COL4A1):c.280-2A>G

Gene: COL4A1 (collagen type IV alpha 1 chain; minus strand). Cytogenetic location: 13q34.
Variant type: single nucleotide variant.
Coding change: c.280-2A>G on transcript NM_001845.6 (MANE Select); the canonical splice acceptor site of the intron before coding-DNA position 280, A replaced by G.
Molecular consequence: splice acceptor variant.
Genome position (GRCh38, 1-based): chr13:110,212,620, T>C on the plus strand (A>G on the coding strand, the complement: COL4A1 is on the minus strand). VCF-style: chr13-110212620-T-C. GRCh37 (hg19) VCF-style: chr13-110864967-T-C.
Other names: c.280-2A>G (NM_001303110.2).
Identifiers: ClinVar variation 3257415 (VCV003257415.17).
Genomic context (GRCh38, chr13:110,212,620, plus strand): 5'-TTTTCTATACATACGGGAAGTCCTGGGTTTCCAGGGTAGCCAGATGCTCCCGGAGGTCCC[T>C]GTGAGGGCGGAAGTAAAAGCGTGTCAGTGAAGAGCCGGGAAGCCTCACTTCCTCCTCCTG-3'